The following is an entry in ClinVar:

ClinVar aggregate classification (germline): Uncertain significance. Review status: criteria provided, multiple submitters, no conflicts (2 of 4 stars). 5 submissions from 5 submitters: Uncertain significance (3). 2 of the submissions do not count toward it. Last evaluated 2025-09-21.

Conditions:
Hereditary leiomyomatosis and renal cell cancer. Also called: MULTIPLE CUTANEOUS AND UTERINE LEIOMYOMATA 1, WITH OR WITHOUT RENAL CELL CARCINOMA; LEIOMYOMA, MULTIPLE CUTANEOUS; Familial leiomyomatosis; Multiple cutaneous leiomyomas; FH tumor predisposition syndrome; Reed syndrome. Identifiers: Orphanet 523, MedGen C1708350, MONDO:0007888, OMIM 150800, HP:0007437. Disease mechanism: loss of function.
Fumarase deficiency (FMRD). Also called: Fumaric aciduria; Fumarate Hydratase Deficiency. Identifiers: Orphanet 24, MedGen C0342770, MONDO:0011730, OMIM 606812.
Hereditary cancer-predisposing syndrome. Also called: Hereditary neoplastic syndrome; Neoplastic Syndromes, Hereditary; Hereditary Cancer Syndrome; Tumor predisposition. Identifiers: Orphanet 140162, MedGen C0027672, MeSH D009386, MONDO:0015356.

Allele frequency attached by ClinVar (database versions not stated): gnomAD exomes below 0.00001 and 0.00001.
gnomAD v4.1: 3 of 1,547,084 alleles (0.00019%); highest among the groups gnomAD compares: Non-Finnish European, 0.00026%; no homozygotes.

Submissions (5):

Labcorp Genetics (formerly Invitae), Labcorp
Classification: Uncertain significance. Last evaluated: 2025-09-21. Review status: criteria provided, single submitter. Criteria: Invitae Variant Classification Sherloc (09022015). Collection method: clinical testing. Allele origin: germline.
Comment: This sequence change replaces leucine, which is neutral and non-polar, with proline, which is neutral and non-polar, at codon 14 of the FH protein (p.Leu14Pro). The frequency data for this variant in the population databases is considered unreliable, as metrics indicate poor data quality at this position in the gnomAD database. This variant has not been reported in the literature in individuals affected with FH-related conditions. ClinVar contains an entry for this variant (Variation ID: 529824). Invitae Evidence Modeling of protein sequence and biophysical properties (such as structural, functional, and spatial information, amino acid conservation, physicochemical variation, residue mobility, and thermodynamic stability) indicates that this missense variant is not expected to disrupt FH protein function with a negative predictive value of 95%. In summary, the available evidence is currently insufficient to determine the role of this variant in disease. Therefore, it has been classified as a Variant of Uncertain Significance.

Ambry Genetics
Classification: Uncertain significance for Hereditary cancer-predisposing syndrome. Last evaluated: 2024-09-16. Review status: criteria provided, single submitter. Criteria: Ambry Variant Classification Scheme 2023. Collection method: clinical testing. Allele origin: germline.
Comment: The p.L14P variant (also known as c.41T>C), located in coding exon 1 of the FH gene, results from a T to C substitution at nucleotide position 41. The leucine at codon 14 is replaced by proline, an amino acid with similar properties. This amino acid position is conserved. In addition, the in silico prediction for this alteration is inconclusive. Since supporting evidence is limited at this time, the clinical significance of this alteration remains unclear.

GeneDx
Classification: Uncertain significance. Last evaluated: 2022-07-02. Review status: criteria provided, single submitter. Criteria: GeneDx Variant Classification Process June 2021. Collection method: clinical testing. Allele origin: germline. Affected: yes.
Comment: Not observed at significant frequency in large population cohorts (gnomAD); In silico analysis supports that this missense variant does not alter protein structure/function; Has not been previously published as pathogenic or benign to our knowledge

Zotz-Klimas Genetics Lab, MVZ Zotz Klimas
Classification: Uncertain significance for Hereditary leiomyomatosis and renal cell cancer. Last evaluated: 2023-10-09. Review status: no assertion criteria provided. Collection method: clinical testing. Allele origin: germline. Affected: yes. Not counted in ClinVar's aggregate classification.

Natera, Inc.
Classification: Uncertain significance for Fumarase Deficiency. Last evaluated: 2019-10-28. Review status: no assertion criteria provided. Collection method: clinical testing. Allele origin: germline. Not counted in ClinVar's aggregate classification.

NM_000143.4(FH):c.41T>C (p.Leu14Pro)

Gene: FH (fumarate hydratase; minus strand). Cytogenetic location: 1q43.
Variant type: single nucleotide variant.
Coding change: c.41T>C on transcript NM_000143.4 (MANE Select); coding-DNA position 41, T replaced by C.
Protein change: p.Leu14Pro; replaces leucine 14 with proline.
Molecular consequence: missense variant.
Genome position (GRCh38, 1-based): chr1:241,519,682, A>G on the plus strand (T>C on the coding strand, the complement: FH is on the minus strand). VCF-style: chr1-241519682-A-G. GRCh37 (hg19) VCF-style: chr1-241682982-A-G.
Other names: short protein forms L14P.
Identifiers: ClinVar variation 529824 (VCV000529824.19), dbSNP rs1553342163, ClinGen allele CA345442977.